The following is an entry in ClinVar:

ClinVar aggregate classification (germline): Uncertain significance. Review status: criteria provided, multiple submitters, no conflicts (2 of 4 stars). 2 submissions from 2 submitters: Uncertain significance (2). Last evaluated 2022-09-06.

Conditions:
Inborn genetic diseases. Identifiers: MedGen C0950123, MeSH D030342.

Allele frequency attached by ClinVar (database versions not stated): TOPMed 0.00001.
gnomAD v4.1: 1 of 1,605,000 alleles (0.000062%); highest among the groups gnomAD compares: African/African-American, 0.0013%; no homozygotes.

Submissions (2):

Ambry Genetics
Classification: Uncertain significance for Inborn genetic diseases. Last evaluated: 2022-09-06. Review status: criteria provided, single submitter. Criteria: Ambry Variant Classification Scheme 2023. Collection method: clinical testing. Allele origin: germline.

Labcorp Genetics (formerly Invitae), Labcorp
Classification: Uncertain significance. Last evaluated: 2022-07-12. Review status: criteria provided, single submitter. Criteria: Invitae Variant Classification Sherloc (09022015). Collection method: clinical testing. Allele origin: germline.
Comment: This variant has not been reported in the literature in individuals affected with PDE6C-related conditions. In summary, the available evidence is currently insufficient to determine the role of this variant in disease. Therefore, it has been classified as a Variant of Uncertain Significance. Algorithms developed to predict the effect of missense changes on protein structure and function are either unavailable or do not agree on the potential impact of this missense change (SIFT: "Deleterious"; PolyPhen-2: "Possibly Damaging"; Align-GVGD: "Class C0"). This variant is not present in population databases (gnomAD no frequency). This sequence change replaces cysteine, which is neutral and slightly polar, with serine, which is neutral and polar, at codon 485 of the PDE6C protein (p.Cys485Ser).

NM_006204.4(PDE6C):c.1453T>A (p.Cys485Ser)

Gene: PDE6C (phosphodiesterase 6C; plus strand). Cytogenetic location: 10q23.33.
Variant type: single nucleotide variant.
Coding change: c.1453T>A on transcript NM_006204.4 (MANE Select); coding-DNA position 1453, T replaced by A.
Protein change: p.Cys485Ser; replaces cysteine 485 with serine.
Molecular consequence: missense variant.
Genome position (GRCh38, 1-based): chr10:93,637,034, T>A. VCF-style: chr10-93637034-T-A. GRCh37 (hg19) VCF-style: chr10-95396791-T-A.
Other names: short protein forms C485S.
Identifiers: ClinVar variation 1935185 (VCV001935185.6), dbSNP rs1032329598, ClinGen allele CA211537651.